The following is an entry in ClinVar:

ClinVar aggregate classification (germline): Pathogenic (1 of 4 stars; one submission).

Conditions:
Neuromuscular disease caused by qualitative or quantitative defects of dystrophin. Also called: Qualitative or quantitative defects of dystrophin. Identifiers: Orphanet 207085, MedGen C5679787, MONDO:0016147.

Submission:

Women's Health and Genetics/Laboratory Corporation of America, LabCorp
Classification: Pathogenic for Neuromuscular disease caused by qualitative or quantitative defects of dystrophin. Last evaluated: 2023-04-20. Review status: criteria provided, single submitter. Criteria: LabCorp Variant Classification Summary - May 2015. Collection method: clinical testing. Allele origin: germline.
Comment: Variant summary: The variant identified by MLPA or other technology involves the deletion of exons 46-51 in the DMD gene. A presumed nomenclature of c.(6614+1_6615-1)_(7542+1_7543-1)del has been designated for the purposes of this classification. Although exact breakpoints of this CNV are not known, it is expected to result in a frameshift deletion in the DMD gene, a known mechanism of disease. The variant was absent in 15821 control chromosomes (gnomAD, Structural Variants dataset). c.(6614+1_6615-1)_(7542+1_7543-1)del has been reported in the literature in individuals affected with Duchenne Muscular Dystrophy (examples: Keegan_2019, Barseghyan_2017). These data indicate that the variant is very likely to be associated with disease. At least two clinical diagnostic laboratories have submitted clinical-significance assessments for this variant to ClinVar after 2014, classifying the variant as pathogenic (n=2). Based on the evidence outlined above, the variant was classified as pathogenic.

Literature cited by the submitters: PubMed 31645977; PubMed 29070057.

NC_000023.10:g.(31747866_31792076)_(31950345_31986455)del

Gene: DMD (dystrophin; minus strand). Cytogenetic location: Xp21.1.
Variant type: Deletion.
Identifiers: ClinVar variation 2504005 (VCV002504005.1).